The following is an entry in ClinVar:

ClinVar aggregate classification (germline): Uncertain significance (1 of 4 stars; one submission).

Conditions:
Arginase deficiency. Also called: Arginase 1 Deficiency; ARGININEMIA; ARG1 DEFICIENCY. Identifiers: Orphanet 90, MedGen C0268548, MONDO:0008814, OMIM 207800.

gnomAD v4.1: 4 of 1,613,742 alleles (0.00025%); highest among the groups gnomAD compares: Non-Finnish European, 0.00034%; no homozygotes.

Submission:

Labcorp Genetics (formerly Invitae), Labcorp
Classification: Uncertain significance for Arginase deficiency. Last evaluated: 2025-12-30. Review status: criteria provided, single submitter. Criteria: Invitae Variant Classification Sherloc (09022015). Collection method: clinical testing. Allele origin: germline.
Comment: This sequence change replaces leucine, which is neutral and non-polar, with phenylalanine, which is neutral and non-polar, at codon 216 of the ARG1 protein (p.Leu216Phe). This variant is present in population databases (no rsID available, gnomAD 0.0009%). This variant has not been reported in the literature in individuals affected with ARG1-related conditions. ClinVar contains an entry for this variant (Variation ID: 2185287). Invitae Evidence Modeling of protein sequence and biophysical properties (such as structural, functional, and spatial information, amino acid conservation, physicochemical variation, residue mobility, and thermodynamic stability) indicates that this missense variant is not expected to disrupt ARG1 protein function with a negative predictive value of 80%. In summary, the available evidence is currently insufficient to determine the role of this variant in disease. Therefore, it has been classified as a Variant of Uncertain Significance.

NM_000045.4(ARG1):c.646C>T (p.Leu216Phe)

Genes: ARG1 (arginase 1; plus strand), MED23 (mediator complex subunit 23; minus strand). Cytogenetic location: 6q23.2.
Variant type: single nucleotide variant.
Coding change: c.646C>T on transcript NM_000045.4 (MANE Select); coding-DNA position 646, C replaced by T.
Protein change: p.Leu216Phe; replaces leucine 216 with phenylalanine.
Molecular consequence: missense variant. On other transcripts: non-coding transcript variant (1), intron variant (2).
Genome position (GRCh38, 1-based): chr6:131,583,145, C>T. VCF-style: chr6-131583145-C-T. GRCh37 (hg19) VCF-style: chr6-131904285-C-T.
Other names: c.670C>T, p.Leu224Phe (NM_001244438.2); c.391C>T, p.Leu131Phe (NM_001369020.1); c.4077+4564G>A (NM_001270521.2); c.4095+4564G>A (NM_015979.4); short protein forms L216F, L131F, L224F.
Identifiers: ClinVar variation 2185287 (VCV002185287.1), dbSNP rs757518422, ClinGen allele CA365652251.